The following is an entry in ClinVar:

NM_174936.4(PCSK9):c.208-10A>G

Gene: PCSK9 (proprotein convertase subtilisin/kexin type 9; plus strand). Cytogenetic location: 1p32.3.
Variant type: single nucleotide variant.
Coding change: c.208-10A>G on transcript NM_174936.4 (MANE Select); 10 bases into the intron before coding-DNA position 208, A replaced by G.
Molecular consequence: intron variant.
Genome position (GRCh38, 1-based): chr1:55,043,833, A>G. VCF-style: chr1-55043833-A-G. GRCh37 (hg19) VCF-style: chr1-55509506-A-G.
Identifiers: ClinVar variation 631188 (VCV000631188.8), dbSNP rs761104090, ClinGen allele CA737025639.

ClinVar aggregate classification (germline): Likely benign. Review status: criteria provided, multiple submitters, no conflicts (2 of 4 stars). 3 submissions from 3 submitters: Likely benign (3). Last evaluated 2023-08-15.

Conditions:
Hypercholesterolemia, autosomal dominant, 3 (FHCL3). Also called: Familial Hypercholesterolemia, Autosomal Dominant, 3; PCSK9-Related Familial Hypercholesterolemia, Autosomal Dominant; Familial hypercholesterolemia 3. Identifiers: MedGen C1863551, MONDO:0011369, OMIM 603776.
Familial hypercholesterolemia. Also called: Familial hypercholesterolemias; Familial hypercholesterolaemia. Identifiers: MedGen C0020445, MONDO:0005439.

Allele frequency attached by ClinVar (database versions not stated): TOPMed 0.00001.
gnomAD v4.1: 1 of 1,613,784 alleles (0.000062%); highest among the groups gnomAD compares: Non-Finnish European, 0.000085%; no homozygotes.

Submissions (3):

All of Us Research Program, National Institutes of Health
Classification: Likely benign for Hypercholesterolemia, autosomal dominant, 3. Last evaluated: 2023-08-15. Review status: criteria provided, single submitter. Criteria: ACMG Guidelines, 2015. Collection method: clinical testing. Allele origin: germline. Inheritance: Autosomal dominant inheritance. Observed: 2 variant alleles, 2 heterozygotes.
Comment: This study involves interpretation of variants in research participants for the purpose of population health screening. Participant phenotype was not available at the time of variant classification. Additional details can be found in publication PMID: 35346344, PMCID: PMC8962531

Labcorp Genetics (formerly Invitae), Labcorp
Classification: Likely benign for Hypercholesterolemia, autosomal dominant, 3. Last evaluated: 2022-12-25. Review status: criteria provided, single submitter. Criteria: Invitae Variant Classification Sherloc (09022015). Collection method: clinical testing. Allele origin: germline.

Color Diagnostics, LLC DBA Color Health
Classification: Likely benign for Familial hypercholesterolemias. Last evaluated: 2018-01-13. Review status: criteria provided, single submitter. Criteria: ACMG Guidelines, 2015. Collection method: clinical testing. Allele origin: germline.